The following is an entry in ClinVar:

NM_001375524.1(TRRAP):c.8779C>T (p.Arg2927Trp)

Gene: TRRAP (transformation/transcription domain associated protein; plus strand). Cytogenetic location: 7q22.1.
Variant type: single nucleotide variant.
Coding change: c.8779C>T on transcript NM_001375524.1 (MANE Select); coding-DNA position 8779, C replaced by T.
Protein change: p.Arg2927Trp; replaces arginine 2927 with tryptophan.
Molecular consequence: missense variant.
Genome position (GRCh38, 1-based): chr7:98,981,913, C>T. VCF-style: chr7-98981913-C-T. GRCh37 (hg19) VCF-style: chr7-98579536-C-T.
Other names: c.8758C>T, p.Arg2920Trp (NM_001244580.2); c.8704C>T, p.Arg2902Trp (NM_003496.4); short protein forms R2902W, R2927W, R2920W.
Identifiers: ClinVar variation 4693037 (VCV004693037.1).

ClinVar aggregate classification (germline): Uncertain significance (1 of 4 stars; one submission).

gnomAD v4.1: 49 of 1,608,670 alleles (0.003%); highest among the groups gnomAD compares: Non-Finnish European, 0.0038%; no homozygotes.

Submission:

Labcorp Genetics (formerly Invitae), Labcorp
Classification: Uncertain significance. Last evaluated: 2025-07-22. Review status: criteria provided, single submitter. Criteria: Invitae Variant Classification Sherloc (09022015). Collection method: clinical testing. Allele origin: germline.
Comment: This sequence change replaces arginine, which is basic and polar, with tryptophan, which is neutral and slightly polar, at codon 2902 of the TRRAP protein (p.Arg2902Trp). The frequency data for this variant in the population databases is considered unreliable, as metrics indicate poor data quality at this position in the gnomAD database. This variant has not been reported in the literature in individuals affected with TRRAP-related conditions. Invitae Evidence Modeling of protein sequence and biophysical properties (such as structural, functional, and spatial information, amino acid conservation, physicochemical variation, residue mobility, and thermodynamic stability) indicates that this missense variant is expected to disrupt TRRAP protein function with a positive predictive value of 80%. In summary, the available evidence is currently insufficient to determine the role of this variant in disease. Therefore, it has been classified as a Variant of Uncertain Significance.